The following is an entry in ClinVar:

ClinVar aggregate classification (germline): Uncertain significance. Review status: criteria provided, multiple submitters, no conflicts (2 of 4 stars). 2 submissions from 2 submitters: Uncertain significance (2). Last evaluated 2023-04-25.

Conditions:
Myofibrillar myopathy 6. Identifiers: Orphanet 199340, MedGen C2751831, MONDO:0013061, OMIM 612954.
Dilated cardiomyopathy 1HH (CMD1HH). Identifiers: Orphanet 154, MedGen C3151293, MONDO:0013479, OMIM 613881.

Submissions (2):

Clinical Genetics Laboratory, Skane University Hospital Lund
Classification: Uncertain significance. Last evaluated: 2023-04-25. Review status: criteria provided, single submitter. Criteria: ACMG Guidelines, 2015. Collection method: clinical testing. Allele origin: germline. Affected: yes.

Labcorp Genetics (formerly Invitae), Labcorp
Classification: Uncertain significance for Dilated cardiomyopathy 1HH; Myofibrillar myopathy 6. Last evaluated: 2022-03-14. Review status: criteria provided, single submitter. Criteria: Invitae Variant Classification Sherloc (09022015). Collection method: clinical testing. Allele origin: germline.
Comment: In summary, the available evidence is currently insufficient to determine the role of this variant in disease. Therefore, it has been classified as a Variant of Uncertain Significance. Algorithms developed to predict the effect of missense changes on protein structure and function are either unavailable or do not agree on the potential impact of this missense change (SIFT: "Tolerated"; PolyPhen-2: "Not Available"; Align-GVGD: "Class C0"). This variant has not been reported in the literature in individuals affected with BAG3-related conditions. This variant is not present in population databases (gnomAD no frequency). This sequence change replaces valine, which is neutral and non-polar, with isoleucine, which is neutral and non-polar, at codon 362 of the BAG3 protein (p.Val362Ile).

NM_004281.4(BAG3):c.1084G>A (p.Val362Ile)

Gene: BAG3 (BAG cochaperone 3; plus strand). Cytogenetic location: 10q26.11.
Variant type: single nucleotide variant.
Coding change: c.1084G>A on transcript NM_004281.4 (MANE Select); coding-DNA position 1084, G replaced by A.
Protein change: p.Val362Ile; replaces valine 362 with isoleucine.
Molecular consequence: missense variant.
Genome position (GRCh38, 1-based): chr10:119,676,638, G>A. VCF-style: chr10-119676638-G-A. GRCh37 (hg19) VCF-style: chr10-121436150-G-A.
Other names: short protein forms V362I.
Identifiers: ClinVar variation 2112196 (VCV002112196.5), dbSNP rs969171575, ClinGen allele CA214224867.
Genomic context (GRCh38, chr10:119,676,638, plus strand): 5'-ATCCGCAAAGAGGTGGATTCTAAACCTGTTTCCCAGAAGCCCCCACCTCCCTCTGAGAAG[G>A]TAGAGGTGAAAGTTCCCCCTGCTCCAGTTCCTTGTCCTCCTCCCAGCCCTGGCCCTTCTG-3'
Protein context (NP_004272.2, residues 352-372): SQKPPPPSEK[Val362Ile]EVKVPPAPVP